The following is an entry in ClinVar:

ClinVar aggregate classification (germline): Uncertain significance (1 of 4 stars; one submission).

Conditions:
Hereditary cancer-predisposing syndrome. Also called: Hereditary Cancer Syndrome; Hereditary neoplastic syndrome; Neoplastic Syndromes, Hereditary; Tumor predisposition. Identifiers: Orphanet 140162, MedGen C0027672, MeSH D009386, MONDO:0015356.

gnomAD v4.1: 1 of 1,614,194 alleles (0.000062%); highest among the groups gnomAD compares: Non-Finnish European, 0.000085%; no homozygotes.

Submission:

Ambry Genetics
Classification: Uncertain significance for Hereditary cancer-predisposing syndrome. Last evaluated: 2026-07-28. Review status: criteria provided, single submitter. Criteria: Ambry Variant Classification Scheme 2023. Collection method: clinical testing. Allele origin: germline.
Comment: The p.L923V variant (also known as c.2767C>G), located in coding exon 17 of the PTCH1 gene, results from a C to G substitution at nucleotide position 2767. The leucine at codon 923 is replaced by valine, an amino acid with highly similar properties. This amino acid position is conserved. In addition, this alteration is predicted to be deleterious by in silico analysis. Based on the available evidence, the clinical significance of this variant remains unclear.

NM_000264.5(PTCH1):c.2767C>G (p.Leu923Val)

Gene: PTCH1 (patched 1; minus strand). Cytogenetic location: 9q22.32.
Variant type: single nucleotide variant.
Coding change: c.2767C>G on transcript NM_000264.5 (MANE Select); coding-DNA position 2767, C replaced by G.
Protein change: p.Leu923Val; replaces leucine 923 with valine.
Molecular consequence: missense variant. On other transcripts: non-coding transcript variant (1).
Genome position (GRCh38, 1-based): chr9:95,459,720, G>C on the plus strand (C>G on the coding strand, the complement: PTCH1 is on the minus strand). VCF-style: chr9-95459720-G-C. GRCh37 (hg19) VCF-style: chr9-98222002-G-C.
Other names: c.2314C>G, p.Leu772Val (NM_001083604.3, NM_001083605.3, NM_001083606.3 and 1 more transcripts); c.2611C>G, p.Leu871Val (NM_001354918.2); c.2569C>G, p.Leu857Val (NM_001083602.3); c.2764C>G, p.Leu922Val (NM_001083603.3); short protein forms L923V, L857V, L871V, L772V, L922V.
Identifiers: ClinVar variation 2564404 (VCV002564404.3), dbSNP rs1554691697, ClinGen allele CA374113122.